The following is an entry in ClinVar:

NM_007186.6(CEP250):c.664C>A (p.Arg222Ser)

Gene: CEP250 (centrosomal protein 250; plus strand). Cytogenetic location: 20q11.22.
Variant type: single nucleotide variant.
Coding change: c.664C>A on transcript NM_007186.6 (MANE Select); coding-DNA position 664, C replaced by A.
Protein change: p.Arg222Ser; replaces arginine 222 with serine.
Molecular consequence: missense variant. On other transcripts: 5 prime UTR variant (1).
Genome position (GRCh38, 1-based): chr20:35,467,368, C>A. VCF-style: chr20-35467368-C-A. GRCh37 (hg19) VCF-style: chr20-34055193-C-A.
Other names: c.-1236C>A (NM_001318219.1); short protein forms R222S.
Identifiers: ClinVar variation 4831873 (VCV004831873.1).

ClinVar aggregate classification (germline): Uncertain significance (1 of 4 stars; one submission).

gnomAD v4.1: 17 of 1,614,022 alleles (0.0011%); highest among the groups gnomAD compares: South Asian, 0.016%; 1 homozygote.

Submission:

Ambry Genetics
Classification: Uncertain significance. Last evaluated: 2026-01-14. Review status: criteria provided, single submitter. Criteria: Ambry Variant Classification Scheme 2023. Collection method: clinical testing. Allele origin: germline.
Comment: The c.664C>A (p.R222S) alteration is located in exon 9 (coding exon 6) of the CEP250 gene. This alteration results from a C to A substitution at nucleotide position 664, causing the arginine (R) at amino acid position 222 to be replaced by a serine (S). Based on data from gnomAD, the A allele has an overall frequency of 0.001% (3/251414) total alleles studied. The highest observed frequency was 0.007% (2/30616) of South Asian alleles. Based on insufficient or conflicting evidence, the clinical significance of this alteration remains unclear.